The following is an entry in ClinVar:

NM_002693.3(POLG):c.-172C>A

Genes: POLG (DNA polymerase gamma, catalytic subunit; minus strand), POLG-DT (POLG divergent transcript; plus strand), POLGARF (POLG alternative reading frame; minus strand). Cytogenetic location: 15q26.1.
Variant type: single nucleotide variant.
Coding change: c.-172C>A on transcript NM_002693.3 (MANE Select); 172 bases upstream of the start codon, C replaced by A.
Molecular consequence: 5 prime UTR variant.
Genome position (GRCh38, 1-based): chr15:89,334,685, G>T on the plus strand (C>A on the coding strand, the complement: POLG is on the minus strand). VCF-style: chr15-89334685-G-T. GRCh37 (hg19) VCF-style: chr15-89877916-G-T.
Other names: c.-160C>A (NM_001126131.2).
Identifiers: ClinVar variation 206585 (VCV000206585.2), dbSNP rs796052901, ClinGen allele CA316814.
Genomic context (GRCh38, chr15:89,334,685, plus strand): 5'-GCCGTCGCTCAGCGACCCGGCCTCCCCGCCGCCGACCCCGCCGGAAACCTCGGTCCTCAC[G>T]GTGCTTCCCGGTCTGCTGCTCCCCCGACCCCAGGCCCACGGCACGGCGTCCCCCTTCGCG-3'

ClinVar aggregate classification (germline): Uncertain significance (1 of 4 stars; one submission).

Allele frequency attached by ClinVar (database versions not stated): gnomAD 0.00001.

Submission:

GeneDx
Classification: Uncertain significance. Last evaluated: 2017-08-18. Review status: criteria provided, single submitter. Criteria: GeneDx Variant Classification (06012015). Collection method: clinical testing. Allele origin: germline. Affected: yes.
Comment: c.-172 C>A in exon 1 of the POLG gene (NM_002693.2). The c.-172 C>A nucleotide substitution has not been published as a mutation, nor has it been reported as a benign polymorphism to our knowledge. Two in-silico splice prediction models predict that c.-172 C>A either destroys or damages the natural splice donor site of non-coding exon 1, which would be expected to lead to abnormal gene splicing. However, the true effect of c.-172 C>A on splicing in vivo is not known. The c.-172 C>A variant is located 172 base pairs upstream of the ATG translational start site in the POLG promoter region. Therefore, this variant could also affect the transcription of the POLG gene. Therefore, based on the currently available information, it is unclear whether c.-172 C>A is a disease-causing mutation or a rare benign variant. The variant is found in MITONUC-MITOP panel(s).